The following is an entry in ClinVar:

NM_003579.4(RAD54L):c.196G>A (p.Asp66Asn)

Gene: RAD54L (RAD54 like; plus strand). Cytogenetic location: 1p34.1.
Variant type: single nucleotide variant.
Coding change: c.196G>A on transcript NM_003579.4 (MANE Select); coding-DNA position 196, G replaced by A.
Protein change: p.Asp66Asn; replaces aspartic acid 66 with asparagine.
Molecular consequence: missense variant. On other transcripts: 5 prime UTR variant (1).
Genome position (GRCh38, 1-based): chr1:46,250,105, G>A. VCF-style: chr1-46250105-G-A. GRCh37 (hg19) VCF-style: chr1-46715777-G-A.
Other names: c.196G>A, p.Asp66Asn (NM_001142548.2); c.-345G>A (NM_001370766.1); short protein forms D66N.
Identifiers: ClinVar variation 1783587 (VCV001783587.2), dbSNP rs1659757506, ClinGen allele CA340176532.

ClinVar aggregate classification (germline): Uncertain significance (1 of 4 stars; one submission).

Submission:

Ambry Genetics
Classification: Uncertain significance. Last evaluated: 2022-06-08. Review status: criteria provided, single submitter. Criteria: Ambry Variant Classification Scheme 2023. Collection method: clinical testing. Allele origin: germline.
Comment: The p.D66N variant (also known as c.196G>A), located in coding exon 3 of the RAD54L gene, results from a G to A substitution at nucleotide position 196. The aspartic acid at codon 66 is replaced by asparagine, an amino acid with highly similar properties. This amino acid position is conserved. In addition, this alteration is predicted to be tolerated by in silico analysis. Since supporting evidence is limited at this time, the clinical significance of this alteration remains unclear.